The following is an entry in ClinVar:

ClinVar aggregate classification (germline): Benign/Likely benign. Review status: criteria provided, multiple submitters, no conflicts (2 of 4 stars). 8 submissions from 8 submitters: Benign (2); Likely benign (5). 1 of the submissions does not count toward it. Last evaluated 2026-01-27.

Conditions:
Mitochondrial complex IV deficiency, nuclear type 4. Also called: Mitochondrial complex 4 deficiency, nuclear type 4. Identifiers: MedGen C5436683, MONDO:0033636, OMIM 619048.
SCO1-related disorder. Also called: SCO1-related condition; SCO1-related disorders.

Allele frequency attached by ClinVar (database versions not stated): gnomAD exomes 0.00006 and 0.00012; ExAC 0.00013; gnomAD 0.00013 and 0.00015; ESP Exome Variant Server 0.00015; TOPMed 0.00017.
gnomAD v4.1: 113 of 1,610,638 alleles (0.007%); highest among the groups gnomAD compares: Middle Eastern, 0.12%; no homozygotes.

Submissions (8):

Labcorp Genetics (formerly Invitae), Labcorp
Classification: Likely benign. Last evaluated: 2026-01-27. Review status: criteria provided, single submitter. Criteria: Invitae Variant Classification Sherloc (09022015). Collection method: clinical testing. Allele origin: germline.

Laboratory of Genetics, Children's Clinical University Hospital Latvia
Classification: Likely benign. Last evaluated: 2025-02-16. Review status: criteria provided, single submitter. Criteria: ACMG Guidelines, 2015. Collection method: clinical testing. Allele origin: germline. Affected: yes.

Blueprint Genetics
Classification: Likely benign. Last evaluated: 2024-11-20. Review status: criteria provided, single submitter. Criteria: ACMG Guidelines, 2015. Collection method: clinical testing. Allele origin: germline.

CeGaT Center for Human Genetics Tuebingen
Classification: Likely benign. Last evaluated: 2024-05-01. Review status: criteria provided, single submitter. Criteria: CeGaT Center For Human Genetics Tuebingen Variant Classification Criteria Version 2. Collection method: clinical testing. Allele origin: germline. Affected: yes. Observed: 1 variant allele.
Comment: SCO1: BP4, BP7

Fulgent Genetics
Classification: Likely benign for Mitochondrial complex IV deficiency, nuclear type 4. Last evaluated: 2021-10-15. Review status: criteria provided, single submitter. Criteria: ACMG Guidelines, 2015. Collection method: clinical testing. Allele origin: unknown.

GeneDx
Classification: Benign. Last evaluated: 2014-07-11. Review status: criteria provided, single submitter. Criteria: GeneDx Variant Classification (06012015). Collection method: clinical testing. Allele origin: germline. Affected: yes.
Comment: This variant is considered likely benign or benign based on one or more of the following criteria: it is a conservative change, it occurs at a poorly conserved position in the protein, it is predicted to be benign by multiple in silico algorithms, and/or has population frequency not consistent with disease.

Breakthrough Genomics
Classification: Benign. Review status: criteria provided, single submitter. Criteria: ACMG Guidelines, 2015. Collection method: not provided. Allele origin: germline. Inheritance: Autosomal recessive inheritance. Affected: yes.

PreventionGenetics, part of Exact Sciences
Classification: Likely benign for SCO1-related condition. Last evaluated: 2020-03-20. Review status: no assertion criteria provided. Collection method: clinical testing. Allele origin: germline. Not counted in ClinVar's aggregate classification.
Comment: This variant is classified as likely benign based on ACMG/AMP sequence variant interpretation guidelines (Richards et al. 2015 PMID: 25741868, with internal and published modifications).

NM_004589.4(SCO1):c.753C>T (p.Asp251=)

Gene: SCO1 (synthesis of cytochrome C oxidase 1; minus strand). Cytogenetic location: 17p13.1.
Variant type: single nucleotide variant.
Coding change: c.753C>T on transcript NM_004589.4 (MANE Select); coding-DNA position 753, C replaced by T.
Protein change: p.Asp251=; no amino-acid change (aspartic acid 251 retained).
Molecular consequence: synonymous variant.
Genome position (GRCh38, 1-based): chr17:10,686,745, G>A on the plus strand (C>T on the coding strand, the complement: SCO1 is on the minus strand). VCF-style: chr17-10686745-G-A. GRCh37 (hg19) VCF-style: chr17-10590062-G-A.
Other names: c.753C>T (NM_004589.3).
Identifiers: ClinVar variation 215117 (VCV000215117.29), dbSNP rs151112594, ClinGen allele CA322645.